The following is an entry in ClinVar:

NM_001041.4(SI):c.273_274del (p.Gly92fs)

Gene: SI (sucrase-isomaltase; minus strand). Cytogenetic location: 3q26.1.
Variant type: Microsatellite.
Coding change: c.273_274del on transcript NM_001041.4 (MANE Select); coding-DNA positions 273 to 274, 2 bases deleted (AG; older notation c.273_274delAG).
Protein change: p.Gly92fs; shifts the reading frame from glycine 92.
Molecular consequence: frameshift variant.
Genome position (GRCh38, 1-based): chr3:165,069,177-165,069,178, CT deleted on the plus strand (AG on the coding strand, the reverse complement: SI is on the minus strand); deleting any 2 consecutive bases within chr3:165,069,177-165,069,182 gives the same sequence; the c. name uses the placement nearest the transcript's 3' end. VCF-style (leftmost placement, unchanged base first): chr3-165069176-CCT-C. GRCh37 (hg19) VCF-style: chr3-164786964-CCT-C.
Other names: c.273_274delAG (NM_001041.4, NM_001041.3); short protein forms G92fs.
Identifiers: ClinVar variation 2203459 (VCV002203459.9), dbSNP rs781470490, ClinGen allele CA2691557.
Genomic context (GRCh38, chr3:165,069,176, plus strand): 5'-TGATTATCAACGAAGAAGCACCAAGGAATAAGAGAGTCATTCCACGGCCTCCAGCAGCAG[CCT>C]CTCTGTGCACAAATTCCCTGATAAAATATTTTTAAAGGAATTATATAATTACTACTATTA-3'

ClinVar aggregate classification (germline): Pathogenic. Review status: criteria provided, multiple submitters, no conflicts (2 of 4 stars). 5 submissions from 5 submitters: Pathogenic (4). 1 of the submissions does not count toward it. Last evaluated 2025-12-23.

Conditions:
Sucrase-isomaltase deficiency (CSID). Also called: Deficiency of isomaltase; SI DEFICIENCY; Congenital sucrose isomaltose malabsorption; Sucrose isomaltose enzyme deficiency. Identifiers: Orphanet 35122, MedGen C1283620, MONDO:0009114, OMIM 222900.
SI-related disorders.
SI-related disorder. Also called: SI-related condition.

Submissions (5):

Labcorp Genetics (formerly Invitae), Labcorp
Classification: Pathogenic. Last evaluated: 2025-12-23. Review status: criteria provided, single submitter. Criteria: Invitae Variant Classification Sherloc (09022015). Collection method: clinical testing. Allele origin: germline.
Comment: This sequence change creates a premature translational stop signal (p.Gly92Leufs*8) in the SI gene. It is expected to result in an absent or disrupted protein product. Loss-of-function variants in SI are known to be pathogenic (PMID: 16329100, 23103650, 25452324). This variant is present in population databases (rs781470490, gnomAD no frequency). This premature translational stop signal has been observed in individual(s) with congenital sucrase-isomaltase deficiency (PMID: 25452324). For these reasons, this variant has been classified as Pathogenic.

Women's Health and Genetics/Laboratory Corporation of America, LabCorp
Classification: Pathogenic for Sucrase-isomaltase deficiency. Last evaluated: 2025-07-23. Review status: criteria provided, single submitter. Criteria: LabCorp Variant Classification Summary - May 2015. Collection method: clinical testing. Allele origin: germline.
Comment: Variant summary: SI c.273_274delAG (p.Gly92LeufsX8) results in a premature termination codon, predicted to cause a truncation of the encoded protein or absence of the protein due to nonsense mediated decay, which are commonly known mechanisms for disease. The variant allele was found at a frequency of 4e-06 in 250802 control chromosomes. c.273_274delAG has been observed in at least one homozygous individual affected with Sucrase-Isomaltase Deficiency (e.g.Mercadier_2015). These data indicate that the variant is likely to be associated with disease. To our knowledge, no experimental evidence demonstrating an impact on protein function has been reported. The following publication has been ascertained in the context of this evaluation (PMID: 25452324). ClinVar contains an entry for this variant (Variation ID: 2203459). Based on the evidence outlined above, the variant was classified as pathogenic.

Blueprint Genetics
Classification: Pathogenic for SI-related disorders. Last evaluated: 2024-10-30. Review status: criteria provided, single submitter. Criteria: ACMG Guidelines, 2015. Collection method: clinical testing. Allele origin: germline. Affected: yes. Observed: 5 variant alleles.

Fulgent Genetics
Classification: Pathogenic for Sucrase-isomaltase deficiency. Last evaluated: 2024-05-09. Review status: criteria provided, single submitter. Criteria: ACMG Guidelines, 2015. Collection method: clinical testing. Allele origin: germline.

PreventionGenetics, part of Exact Sciences
Classification: Pathogenic for SI-related condition. Last evaluated: 2024-05-06. Review status: no assertion criteria provided. Collection method: clinical testing. Allele origin: germline. Not counted in ClinVar's aggregate classification.
Comment: The SI c.273_274delAG variant is predicted to result in a frameshift and premature protein termination (p.Gly92Leufs*8). This variant has been reported in an individual with sucrase isomaltase deficiency and is a known founder variant in Inuit populations, with an allele frequency of 17.2% (Marcadier et al 2015. PubMed ID: 25452324). Frameshift variants in SI are expected to be pathogenic, and therefore we interpret c.273_274del (p.Gly92Leufs*8) as pathogenic.

Literature cited by the submitters: PubMed 16329100 (cited by Labcorp Genetics (formerly Invitae), Labcorp); PubMed 23103650 (cited by Labcorp Genetics (formerly Invitae), Labcorp); PubMed 25452324 (cited by Labcorp Genetics (formerly Invitae), Labcorp and Women's Health and Genetics/Laboratory Corporation of America, LabCorp).